The following continues an entry in ClinVar:

NM_000059.4(BRCA2):c.5428G>A (p.Val1810Ile)

Gene: BRCA2. ClinVar aggregate classification (germline): Conflicting classifications of pathogenicity. Uncertain significance (6); Likely benign (5).

Submissions 11 to 17 of 17:

PreventionGenetics, part of Exact Sciences
Classification: Uncertain significance. Last evaluated: 2017-02-21. Review status: criteria provided, single submitter. Criteria: ACMG Guidelines, 2015. Collection method: clinical testing. Allele origin: germline.

Department of Medical and Surgical Sciences, University of Bologna
Classification: Likely benign for Breast-ovarian cancer, familial, susceptibility to, 2. Last evaluated: 2023-09-01. Review status: no assertion criteria provided. Collection method: clinical testing. Allele origin: germline. Affected: yes. Not counted in ClinVar's aggregate classification.
Comment: BP1(Strong) according to ACMG/AMP classification guidelines specified for BRCA1 & BRCA2 (Classification Criteria V1.0.0 2023-09-08) (PMID: 38160042)

Genetic Services Laboratory, University of Chicago
Classification: Uncertain significance. Last evaluated: 2022-11-28. Review status: no assertion criteria provided. Collection method: clinical testing. Allele origin: germline. Affected: no. Not counted in ClinVar's aggregate classification.
Comment: DNA sequence analysis of the BRCA2 gene demonstrated a sequence change, c.5428G>A, in exon 11 that results in an amino acid change, p.Val1810Ile. This sequence change has been identified as a variant of uncertain significance in multiple individuals with breast cancer (PMID: 30287823, 34178674, 32438681). This sequence change has been described in the gnomAD database with a frequency of 0.0016% in the overall population (dbSNP rs80358766). The p.Val1810Ile change affects a moderately conserved amino acid residue located in a domain of the BRCA2 protein that is known to be functional. The p.Val1810Ile substitution appears to be benign using several in-silico pathogenicity prediction tools (SIFT, PolyPhen2, Align GVGD, REVEL). Due to insufficient evidences and the lack of functional studies, the clinical significance of the p.Val1810Ile change remains unknown at this time.

Counsyl
Classification: Uncertain significance for Breast-ovarian cancer, familial, susceptibility to, 2. Last evaluated: 2016-02-19. Review status: no assertion criteria provided. Collection method: clinical testing. Allele origin: unknown. Not counted in ClinVar's aggregate classification.

Sharing Clinical Reports Project (SCRP)
Classification: Pathogenic for Breast-ovarian cancer, familial 2. Last evaluated: 2012-07-06. Review status: no assertion criteria provided. Collection method: clinical testing. Allele origin: germline. Not counted in ClinVar's aggregate classification.

Breast Cancer Information Core (BIC) (BRCA2)
Classification: Uncertain significance for Breast-ovarian cancer, familial 2. Last evaluated: 2002-05-29. Review status: no assertion criteria provided. Collection method: clinical testing. Allele origin: germline. Affected: yes. Observed: 4 variant alleles. Not counted in ClinVar's aggregate classification.

Department of Pathology and Laboratory Medicine, Sinai Health System
Classification: Uncertain significance for Malignant tumor of breast. Review status: no assertion criteria provided. Collection method: clinical testing. Allele origin: unknown. Affected: yes. Observed: 2 variant alleles. Study: The Canadian Open Genetics Repository (COGR). Not counted in ClinVar's aggregate classification.
Comment: The p.Val1810Ile variant was identified in the literature in an individual with gastric cancer (Chen 2015). The variant was also identified in dbSNP (ID: rs80358766) â€šÃ„ÃºWith uncertain significance alleleâ€šÃ„Ã¹, Clinvitae database (with uncertain significance), COSMIC (in a stomach adenocarcinoma), the ClinVar database (with uncertain significance by BIC, and classification not provided by Invitae) and the BIC database (4x with unknown clinical importance).The variant was also identified in the 1000 Genomes Project in 1 of 5000 chromosomes (frequency: 0.0002), the Exome Aggregation Consortium (ExAC) database (released Jan 13, 2015) in 2 of 121162 chromosomes (frequency: 0.0000165). The p.Val1810 residue is conserved in mammals and computational analyses (PolyPhen-2, SIFT, AlignGVGD, BLOSUM, MutationTaster) do not suggest a high likelihood of impact to the protein; however, this information is not predictive enough to rule out pathogenicity. In summary, based on the above information, the clinical significance of this variant cannot be determined with certainty at this time. This variant is classified as a variant of unknown significance.

Literature cited by the submitters: PubMed 25348012 (cited by Women's Health and Genetics/Laboratory Corporation of America, LabCorp and Quest Diagnostics Nichols Institute San Juan Capistrano); PubMed 25583476 (cited by Women's Health and Genetics/Laboratory Corporation of America, LabCorp and Quest Diagnostics Nichols Institute San Juan Capistrano); PubMed 30287823 (cited by 3 submitters); PubMed 32438681 (cited by 3 submitters); PubMed 32380732 (cited by Women's Health and Genetics/Laboratory Corporation of America, LabCorp and Labcorp Genetics (formerly Invitae), Labcorp); PubMed 33471991 (cited by Women's Health and Genetics/Laboratory Corporation of America, LabCorp and Quest Diagnostics Nichols Institute San Juan Capistrano); PubMed 34178674 (cited by 4 submitters); PubMed 34572941 (cited by Women's Health and Genetics/Laboratory Corporation of America, LabCorp); PubMed 36243179 (cited by Quest Diagnostics Nichols Institute San Juan Capistrano); PubMed 35982159 (cited by Quest Diagnostics Nichols Institute San Juan Capistrano); PubMed 31214711 (cited by Ambry Genetics).